The following is an entry in ClinVar:

NM_000153.4(GALC):c.1338+1G>T

Gene: GALC (galactosylceramidase; minus strand). Cytogenetic location: 14q31.3.
Variant type: single nucleotide variant.
Coding change: c.1338+1G>T on transcript NM_000153.4 (MANE Select); the canonical splice donor site of the intron after coding-DNA position 1338, G replaced by T.
Molecular consequence: splice donor variant.
Genome position (GRCh38, 1-based): chr14:87,949,844, C>A on the plus strand (G>T on the coding strand, the complement: GALC is on the minus strand). VCF-style: chr14-87949844-C-A. GRCh37 (hg19) VCF-style: chr14-88416188-C-A.
Other names: c.1260+1G>T (NM_001201402.2); c.1269+1G>T (NM_001201401.2).
Identifiers: ClinVar variation 1475593 (VCV001475593.6), dbSNP rs1555379669, ClinGen allele CA390746695.

ClinVar aggregate classification (germline): Likely pathogenic (1 of 4 stars; one submission).

Conditions:
Galactosylceramide beta-galactosidase deficiency. Also called: Krabbe Disease; Leukodystrophy, Globoid Cell; GALACTOCEREBROSIDASE DEFICIENCY; GALC DEFICIENCY; GLOBOID CELL LEUKOENCEPHALOPATHY. Identifiers: Orphanet 487, MedGen C0023521, MONDO:0009499, OMIM 245200.

Submission:

Labcorp Genetics (formerly Invitae), Labcorp
Classification: Likely pathogenic for Galactosylceramide beta-galactosidase deficiency. Last evaluated: 2021-11-18. Review status: criteria provided, single submitter. Criteria: Invitae Variant Classification Sherloc (09022015). Collection method: clinical testing. Allele origin: germline.
Comment: In summary, the currently available evidence indicates that the variant is pathogenic, but additional data are needed to prove that conclusively. Therefore, this variant has been classified as Likely Pathogenic. Algorithms developed to predict the effect of sequence changes on RNA splicing suggest that this variant may disrupt the consensus splice site. This variant has not been reported in the literature in individuals affected with GALC-related conditions. This variant is not present in population databases (gnomAD no frequency). This sequence change affects a donor splice site in intron 12 of the GALC gene. It is expected to disrupt RNA splicing. Variants that disrupt the donor or acceptor splice site typically lead to a loss of protein function (PMID: 16199547), and loss-of-function variants in GALC are known to be pathogenic (PMID: 7437911, 9272171, 16607461).

Literature cited by the submitters: PubMed 16199547; PubMed 7437911; PubMed 9272171; PubMed 16607461.